The following is an entry in ClinVar:

NM_002474.3(MYH11):c.4251A>C (p.Lys1417Asn)

Genes: MYH11 (myosin heavy chain 11; minus strand), NDE1 (nudE neurodevelopment protein 1; plus strand). Cytogenetic location: 16p13.11.
Variant type: single nucleotide variant.
Coding change: c.4251A>C on transcript NM_002474.3 (MANE Select); coding-DNA position 4251, A replaced by C.
Protein change: p.Lys1417Asn; replaces lysine 1417 with asparagine.
Molecular consequence: missense variant. On other transcripts: 3 prime UTR variant (2).
Genome position (GRCh38, 1-based): chr16:15,724,275, T>G on the plus strand (A>C on the coding strand, the complement: MYH11 is on the minus strand). VCF-style: chr16-15724275-T-G. GRCh37 (hg19) VCF-style: chr16-15818132-T-G.
Other names: c.4272A>C, p.Lys1424Asn (NM_001040113.2, NM_001040114.2); c.4251A>C, p.Lys1417Asn (NM_022844.3); c.*24T>G (NM_001143979.2, NM_017668.3); short protein forms K1417N, K1424N.
Identifiers: ClinVar variation 3069833 (VCV003069833.1), dbSNP rs781137890, ClinGen allele CA394857254.

ClinVar aggregate classification (germline): Uncertain significance (1 of 4 stars; one submission).

Conditions:
Familial thoracic aortic aneurysm and aortic dissection (TAAD). Also called: Thoracic aortic aneurysms and dissections. Identifiers: Orphanet 91387, MedGen C4707243, MONDO:0019625.

Submission:

All of Us Research Program, National Institutes of Health
Classification: Uncertain significance for Familial thoracic aortic aneurysm and aortic dissection. Last evaluated: 2023-03-09. Review status: criteria provided, single submitter. Criteria: ACMG Guidelines, 2015. Collection method: clinical testing. Allele origin: germline. Inheritance: Autosomal dominant inheritance. Observed: 1 variant allele, 1 heterozygote.
Comment: This missense variant replaces lysine with asparagine at codon 1424 of the MYH11 protein. Computational prediction is inconclusive regarding the impact of this variant on protein structure and function (internally defined REVEL score threshold 0.5 < inconclusive < 0.7, PMID: 27666373). To our knowledge, functional studies have not been reported for this variant. This variant has not been reported in individuals affected with MYH11-related disorders in the literature. This variant has not been identified in the general population by the Genome Aggregation Database (gnomAD). The available evidence is insufficient to determine the role of this variant in disease conclusively. Therefore, this variant is classified as a Variant of Uncertain Significance.

This study involves interpretation of variants in research participants for the purpose of population health screening. Participant phenotype was not available at the time of variant classification. Additional details can be found in publication PMID: 35346344, PMCID: PMC8962531